The following is an entry in ClinVar:

NM_177438.3(DICER1):c.305C>G (p.Ser102Cys)

Gene: DICER1 (dicer 1, ribonuclease III; minus strand). Cytogenetic location: 14q32.13.
Variant type: single nucleotide variant.
Coding change: c.305C>G on transcript NM_177438.3 (MANE Select); coding-DNA position 305, C replaced by G.
Protein change: p.Ser102Cys; replaces serine 102 with cysteine.
Molecular consequence: missense variant. On other transcripts: 5 prime UTR variant (2), non-coding transcript variant (6).
Genome position (GRCh38, 1-based): chr14:95,132,517, G>C on the plus strand (C>G on the coding strand, the complement: DICER1 is on the minus strand). VCF-style: chr14-95132517-G-C. GRCh37 (hg19) VCF-style: chr14-95598854-G-C.
Other names: c.305C>G, p.Ser102Cys (NM_001195573.1, NM_001271282.3, NM_001291628.2 and 15 more transcripts); c.31C>G, p.Leu11Val (NM_001395686.1, NM_001395687.1, NM_001395688.1 and 4 more transcripts); c.-154C>G (NM_001395691.1); c.-1264C>G (NM_001395697.1); short protein forms L11V, S102C.
Identifiers: ClinVar variation 1799337 (VCV001799337.2), dbSNP rs2543366165, ClinGen allele CA390889599.

ClinVar aggregate classification (germline): Uncertain significance (1 of 4 stars; one submission).

Conditions:
Hereditary cancer-predisposing syndrome. Also called: Neoplastic Syndromes, Hereditary; Tumor predisposition; Hereditary Cancer Syndrome; Hereditary neoplastic syndrome. Identifiers: Orphanet 140162, MedGen C0027672, MeSH D009386, MONDO:0015356.

Submission:

Ambry Genetics
Classification: Uncertain significance for Hereditary cancer-predisposing syndrome. Last evaluated: 2020-07-02. Review status: criteria provided, single submitter. Criteria: Ambry Variant Classification Scheme 2023. Collection method: clinical testing. Allele origin: germline.
Comment: The p.S102C variant (also known as c.305C>G), located in coding exon 2 of the DICER1 gene, results from a C to G substitution at nucleotide position 305. The serine at codon 102 is replaced by cysteine, an amino acid with dissimilar properties. This amino acid position is well conserved in available vertebrate species. In addition, the in silico prediction for this alteration is inconclusive. Since supporting evidence is limited at this time, the clinical significance of this alteration remains unclear.